The following is an entry in ClinVar:

ClinVar aggregate classification (germline): Uncertain significance (1 of 4 stars; one submission).

Conditions:
Hereditary cancer-predisposing syndrome. Also called: Neoplastic Syndromes, Hereditary; Tumor predisposition; Hereditary neoplastic syndrome; Hereditary Cancer Syndrome. Identifiers: Orphanet 140162, MedGen C0027672, MeSH D009386, MONDO:0015356.

Submission:

Ambry Genetics
Classification: Uncertain significance for Hereditary cancer-predisposing syndrome. Last evaluated: 2024-04-07. Review status: criteria provided, single submitter. Criteria: Ambry Variant Classification Scheme 2023. Collection method: clinical testing. Allele origin: germline.
Comment: The p.G1091R variant (also known as c.3271G>C), located in coding exon 27 of the TSC2 gene, results from a G to C substitution at nucleotide position 3271. The glycine at codon 1091 is replaced by arginine, an amino acid with dissimilar properties. This amino acid position is conserved. In addition, the in silico prediction for this alteration is inconclusive. Based on the available evidence, the clinical significance of this variant remains unclear.

NM_000548.5(TSC2):c.3271G>C (p.Gly1091Arg)

Gene: TSC2 (TSC complex subunit 2; plus strand). Cytogenetic location: 16p13.3.
Variant type: single nucleotide variant.
Coding change: c.3271G>C on transcript NM_000548.5 (MANE Select); coding-DNA position 3271, G replaced by C.
Protein change: p.Gly1091Arg; replaces glycine 1091 with arginine.
Molecular consequence: missense variant. On other transcripts: non-coding transcript variant (5).
Genome position (GRCh38, 1-based): chr16:2,079,415, G>C. VCF-style: chr16-2079415-G-C. GRCh37 (hg19) VCF-style: chr16-2129416-G-C.
Other names: c.3139G>C, p.Gly1047Arg (NM_001077183.3, NM_001370404.1, NM_001406665.1); c.3271G>C, p.Gly1091Arg (NM_001114382.3); c.3031G>C, p.Gly1011Arg (NM_001318827.2); c.2995G>C, p.Gly999Arg (NM_001318829.2); c.2539G>C, p.Gly847Arg (NM_001318831.2, NM_001406687.1, NM_001406688.1); c.3172G>C, p.Gly1058Arg (NM_001318832.2); c.3142G>C, p.Gly1048Arg (NM_001363528.2, NM_001370405.1, NM_021055.3); c.3268G>C, p.Gly1090Arg (NM_001406663.1, NM_001406664.1); and 18 more; short protein forms G1047R, G1048R, G1054R, G1091R, G513R, G848R, G1010R, G1028R.
Identifiers: ClinVar variation 3329495 (VCV003329495.1).